The following is an entry in ClinVar:

NM_017514.5(PLXNA3):c.1709C>T (p.Ala570Val)

Gene: PLXNA3 (plexin A3; plus strand). Cytogenetic location: Xq28.
Variant type: single nucleotide variant.
Coding change: c.1709C>T on transcript NM_017514.5 (MANE Select); coding-DNA position 1709, C replaced by T.
Protein change: p.Ala570Val; replaces alanine 570 with valine.
Molecular consequence: missense variant.
Genome position (GRCh38, 1-based): chrX:154,464,194, C>T. VCF-style: chrX-154464194-C-T. GRCh37 (hg19) VCF-style: chrX-153692537-C-T.
Other names: c.1709C>T (NM_017514.3); short protein forms A570V.
Identifiers: ClinVar variation 3355119 (VCV003355119.2).

ClinVar aggregate classification (germline): Uncertain significance. Review status: criteria provided, single submitter (1 of 4 stars). 2 submissions from 2 submitters: Uncertain significance (1). 1 of the submissions does not count toward it. Last evaluated 2025-09-26.

Conditions:
PLXNA3-related disorder. Also called: PLXNA3-related condition.

gnomAD v4.1: 31 of 1,208,166 alleles (0.0026%); highest among the groups gnomAD compares: African/African-American, 0.026%; no homozygotes.

Submissions (2):

Ambry Genetics
Classification: Uncertain significance. Last evaluated: 2025-09-26. Review status: criteria provided, single submitter. Criteria: Ambry Variant Classification Scheme 2023. Collection method: clinical testing. Allele origin: germline.

PreventionGenetics, part of Exact Sciences
Classification: Likely benign for PLXNA3-related condition. Last evaluated: 2024-03-29. Review status: no assertion criteria provided. Collection method: clinical testing. Allele origin: germline. Not counted in ClinVar's aggregate classification.
Comment: This variant is classified as likely benign based on ACMG/AMP sequence variant interpretation guidelines (Richards et al. 2015 PMID: 25741868, with internal and published modifications).